The following continues an entry in ClinVar:

NM_000543.5(SMPD1):c.1460C>T (p.Ala487Val)

Gene: SMPD1. ClinVar aggregate classification (germline): Benign/Likely benign. Benign (2); Likely benign (6).

Submissions 29 to 47 of 47:

Dr. Peter K. Rogan Lab, Western University
No classification provided (evidence only). Condition: Familial cancer of breast. Review status: no classification provided. Collection method: in vitro. Allele origin: not applicable. Functional consequence: retained intron. Not counted in ClinVar's aggregate classification.

Dr. Peter K. Rogan Lab, Western University
No classification provided (evidence only). Condition: Colon adenocarcinoma. Review status: no classification provided. Collection method: in vitro. Allele origin: not applicable. Functional consequence: retained intron. Not counted in ClinVar's aggregate classification.

Dr. Peter K. Rogan Lab, Western University
No classification provided (evidence only). Condition: Thyroid cancer, nonmedullary, 1. Review status: no classification provided. Collection method: in vitro. Allele origin: not applicable. Functional consequence: retained intron. Not counted in ClinVar's aggregate classification.

Dr. Peter K. Rogan Lab, Western University
No classification provided (evidence only). Condition: Thyroid cancer, nonmedullary, 1. Review status: no classification provided. Collection method: in vitro. Allele origin: not applicable. Functional consequence: retained intron. Not counted in ClinVar's aggregate classification.

Dr. Peter K. Rogan Lab, Western University
No classification provided (evidence only). Condition: Thyroid cancer, nonmedullary, 1. Review status: no classification provided. Collection method: in vitro. Allele origin: not applicable. Functional consequence: retained intron. Not counted in ClinVar's aggregate classification.

Dr. Peter K. Rogan Lab, Western University
No classification provided (evidence only). Condition: Uterine corpus endometrial carcinoma. Review status: no classification provided. Collection method: in vitro. Allele origin: not applicable. Functional consequence: retained intron. Not counted in ClinVar's aggregate classification.

Dr. Peter K. Rogan Lab, Western University
No classification provided (evidence only). Condition: Cervical cancer. Review status: no classification provided. Collection method: in vitro. Allele origin: not applicable. Functional consequence: retained intron. Not counted in ClinVar's aggregate classification.

Dr. Peter K. Rogan Lab, Western University
No classification provided (evidence only). Condition: Hepatocellular carcinoma. Review status: no classification provided. Collection method: in vitro. Allele origin: not applicable. Functional consequence: retained intron. Not counted in ClinVar's aggregate classification.

Dr. Peter K. Rogan Lab, Western University
No classification provided (evidence only). Condition: Hepatocellular carcinoma. Review status: no classification provided. Collection method: in vitro. Allele origin: not applicable. Functional consequence: retained intron. Not counted in ClinVar's aggregate classification.

Dr. Peter K. Rogan Lab, Western University
No classification provided (evidence only). Condition: Nonpapillary renal cell carcinoma. Review status: no classification provided. Collection method: in vitro. Allele origin: not applicable. Functional consequence: retained intron. Not counted in ClinVar's aggregate classification.

Dr. Peter K. Rogan Lab, Western University
No classification provided (evidence only). Condition: Thymoma. Review status: no classification provided. Collection method: in vitro. Allele origin: not applicable. Functional consequence: retained intron. Not counted in ClinVar's aggregate classification.

Dr. Peter K. Rogan Lab, Western University
No classification provided (evidence only). Condition: Ovarian serous cystadenocarcinoma. Review status: no classification provided. Collection method: in vitro. Allele origin: not applicable. Functional consequence: retained intron. Not counted in ClinVar's aggregate classification.

Dr. Peter K. Rogan Lab, Western University
No classification provided (evidence only). Condition: Ovarian serous cystadenocarcinoma. Review status: no classification provided. Collection method: in vitro. Allele origin: not applicable. Functional consequence: retained intron. Not counted in ClinVar's aggregate classification.

Dr. Peter K. Rogan Lab, Western University
No classification provided (evidence only). Condition: Gastric cancer. Review status: no classification provided. Collection method: in vitro. Allele origin: not applicable. Functional consequence: retained intron. Not counted in ClinVar's aggregate classification.

Dr. Peter K. Rogan Lab, Western University
No classification provided (evidence only). Condition: Gastric cancer. Review status: no classification provided. Collection method: in vitro. Allele origin: not applicable. Functional consequence: retained intron. Not counted in ClinVar's aggregate classification.

Dr. Peter K. Rogan Lab, Western University
No classification provided (evidence only). Condition: Uterine carcinosarcoma. Review status: no classification provided. Collection method: in vitro. Allele origin: not applicable. Functional consequence: retained intron. Not counted in ClinVar's aggregate classification.

Dr. Peter K. Rogan Lab, Western University
No classification provided (evidence only). Condition: Uveal melanoma. Review status: no classification provided. Collection method: in vitro. Allele origin: not applicable. Functional consequence: retained intron. Not counted in ClinVar's aggregate classification.

Dr. Peter K. Rogan Lab, Western University
No classification provided (evidence only). Condition: Uveal melanoma. Review status: no classification provided. Collection method: in vitro. Allele origin: not applicable. Functional consequence: retained intron. Not counted in ClinVar's aggregate classification.

Genome Diagnostics Laboratory, University Medical Center Utrecht
Classification: Likely benign. Review status: no assertion criteria provided. Collection method: clinical testing. Allele origin: germline. Affected: yes. Study: VKGL Data-share Consensus. Not counted in ClinVar's aggregate classification.

Literature cited by the submitters: PubMed 23430512 (cited by Illumina Laboratory Services, Illumina and Counsyl); PubMed 12369017 (cited by Illumina Laboratory Services, Illumina and Counsyl); PubMed 25811928 (cited by Counsyl); PubMed 26499107 (cited by Counsyl).